The following is an entry in ClinVar:

NM_001376.5(DYNC1H1):c.13001C>G (p.Thr4334Arg)

Gene: DYNC1H1 (dynein cytoplasmic 1 heavy chain 1; plus strand). Cytogenetic location: 14q32.31.
Variant type: single nucleotide variant.
Coding change: c.13001C>G on transcript NM_001376.5 (MANE Select); coding-DNA position 13001, C replaced by G.
Protein change: p.Thr4334Arg; replaces threonine 4334 with arginine.
Molecular consequence: missense variant.
Genome position (GRCh38, 1-based): chr14:102,044,693, C>G. VCF-style: chr14-102044693-C-G. GRCh37 (hg19) VCF-style: chr14-102511030-C-G.
Other names: short protein forms T4334R.
Identifiers: ClinVar variation 861191 (VCV000861191.9), dbSNP rs2048693948, ClinGen allele CA391044746.

ClinVar aggregate classification (germline): Uncertain significance (1 of 4 stars; one submission).

Conditions:
Charcot-Marie-Tooth disease axonal type 2O. Also called: CHARCOT-MARIE-TOOTH NEUROPATHY, AXONAL, TYPE 2O; CHARCOT-MARIE-TOOTH DISEASE, AXONAL, AUTOSOMAL DOMINANT, TYPE 2O; Charcot-Marie-Tooth Neuropathy Type 2O; Charcot-Marie-Tooth disease, axonal, type 20. Identifiers: Orphanet 284232, MedGen C3280220, MONDO:0013644, OMIM 614228.

Submission:

Labcorp Genetics (formerly Invitae), Labcorp
Classification: Uncertain significance for Charcot-Marie-Tooth disease axonal type 2O. Last evaluated: 2019-04-18. Review status: criteria provided, single submitter. Criteria: Invitae Variant Classification Sherloc (09022015). Collection method: clinical testing. Allele origin: germline.
Comment: This variant is not present in population databases (ExAC no frequency). This variant has not been reported in the literature in individuals with DYNC1H1-related conditions. Algorithms developed to predict the effect of missense changes on protein structure and function are either unavailable or do not agree on the potential impact of this missense change (SIFT: "Tolerated"; PolyPhen-2: "Possibly Damaging"; Align-GVGD: "Class C0"). Algorithms developed to predict the effect of sequence changes on RNA splicing suggest that this variant may create or strengthen a splice site, but this prediction has not been confirmed by published transcriptional studies. In summary, the available evidence is currently insufficient to determine the role of this variant in disease. Therefore, it has been classified as a Variant of Uncertain Significance. This sequence change replaces threonine with arginine at codon 4334 of the DYNC1H1 protein (p.Thr4334Arg). The threonine residue is highly conserved and there is a moderate physicochemical difference between threonine and arginine.